The following is an entry in ClinVar:

NM_053025.4(MYLK):c.509T>C (p.Val170Ala)

Gene: MYLK (myosin light chain kinase; minus strand). Cytogenetic location: 3q21.1.
Variant type: single nucleotide variant.
Coding change: c.509T>C on transcript NM_053025.4 (MANE Select); coding-DNA position 509, T replaced by C.
Protein change: p.Val170Ala; replaces valine 170 with alanine.
Molecular consequence: missense variant. On other transcripts: 5 prime UTR variant (1).
Genome position (GRCh38, 1-based): chr3:123,738,976, A>G on the plus strand (T>C on the coding strand, the complement: MYLK is on the minus strand). VCF-style: chr3-123738976-A-G. GRCh37 (hg19) VCF-style: chr3-123457823-A-G.
Other names: c.-20T>C (NM_001321309.2); c.509T>C, p.Val170Ala (NM_053026.4, NM_053027.4, NM_053028.4); short protein forms V170A.
Identifiers: ClinVar variation 696475 (VCV000696475.12), dbSNP rs752679720, ClinGen allele CA072776.
Genomic context (GRCh38, chr3:123,738,976, plus strand): 5'-GGTTGGGGCCGGCCAGTGATCTTGCAGGAGAATCGTCCCATCTGTCCTTCTTTGACCACA[A>G]CTCGGCCCAGCTTGGTAGCAAACTTTGGTGGGCACTCCCCCCAGATGCTAGGACGGGTCT-3'
Protein context (NP_444253.3, residues 160-180): PPKFATKLGR[Val170Ala]VVKEGQMGRF

ClinVar aggregate classification (germline): Likely benign. Review status: criteria provided, multiple submitters, no conflicts (2 of 4 stars). 3 submissions from 3 submitters: Likely benign (3). Last evaluated 2026-03-27.

Conditions:
Familial thoracic aortic aneurysm and aortic dissection (TAAD). Also called: Thoracic aortic aneurysms and dissections. Identifiers: Orphanet 91387, MedGen C4707243, MONDO:0019625.
Aortic aneurysm, familial thoracic 7 (AAT7). Also called: AORTIC DISSECTION, FAMILIAL, WITH OR WITHOUT AORTIC ANEURYSM. Identifiers: MedGen C3151077, MONDO:0013418, OMIM 613780.

Allele frequency attached by ClinVar (database versions not stated): gnomAD exomes 0.00002 and 0.00004; gnomAD 0.00001; ExAC 0.00002; TOPMed 0.00004.
gnomAD v4.1: 33 of 1,613,450 alleles (0.002%); highest among the groups gnomAD compares: East Asian, 0.02%; no homozygotes.

Submissions (3):

Ambry Genetics
Classification: Likely benign for Familial thoracic aortic aneurysm and aortic dissection. Last evaluated: 2026-03-27. Review status: criteria provided, single submitter. Criteria: Ambry Variant Classification Scheme 2023. Collection method: clinical testing. Allele origin: germline.

Labcorp Genetics (formerly Invitae), Labcorp
Classification: Likely benign for Aortic aneurysm, familial thoracic 7. Last evaluated: 2026-01-26. Review status: criteria provided, single submitter. Criteria: Invitae Variant Classification Sherloc (09022015). Collection method: clinical testing. Allele origin: germline.

Women's Health and Genetics/Laboratory Corporation of America, LabCorp
Classification: Likely benign. Last evaluated: 2024-11-04. Review status: criteria provided, single submitter. Criteria: LabCorp Variant Classification Summary - May 2015. Collection method: clinical testing. Allele origin: germline.
Comment: Variant summary: MYLK c.509T>C (p.Val170Ala) results in a non-conservative amino acid change located in the Immunoglobulin I-set domain (IPR013098) of the encoded protein sequence. Three of four in-silico tools predict a benign effect of the variant on protein function. The variant allele was found at a frequency of 4e-05 in 250506 control chromosomes. The observed variant frequency is approximately 16-fold of the estimated maximal expected allele frequency for a pathogenic variant in MYLK causing Aortopathy phenotype (2.5e-06). c.509T>C has been reported in the literature in individuals affected with Aortopathy or thoracic aortic aneurysm, wihtout strong evidence for causality (Li_2021, Yang_2023). These report(s) do not provide unequivocal conclusions about association of the variant with Aortopathy. To our knowledge, no experimental evidence demonstrating an impact on protein function has been reported. The following publications have been ascertained in the context of this evaluation (PMID: 34498425, 36517271). ClinVar contains an entry for this variant (Variation ID: 696475). Based on the evidence outlined above, the variant was classified as likely benign.

Literature cited by the submitters: PubMed 36517271 (cited by Women's Health and Genetics/Laboratory Corporation of America, LabCorp); PubMed 34498425 (cited by Women's Health and Genetics/Laboratory Corporation of America, LabCorp).